The following is an entry in ClinVar:

NM_004304.5(ALK):c.3461A>C (p.Glu1154Ala)

Gene: ALK (ALK receptor tyrosine kinase; minus strand). Cytogenetic location: 2p23.2.
Variant type: single nucleotide variant.
Coding change: c.3461A>C on transcript NM_004304.5 (MANE Select); coding-DNA position 3461, A replaced by C.
Protein change: p.Glu1154Ala; replaces glutamic acid 1154 with alanine.
Molecular consequence: missense variant.
Genome position (GRCh38, 1-based): chr2:29,222,398, T>G on the plus strand (A>C on the coding strand, the complement: ALK is on the minus strand). VCF-style: chr2-29222398-T-G. GRCh37 (hg19) VCF-style: chr2-29445264-T-G.
Other names: c.257A>C, p.Glu86Ala (NM_001353765.2); short protein forms E1154A, E86A.
Identifiers: ClinVar variation 843593 (VCV000843593.13), dbSNP rs1669827472, ClinGen allele CA346463287.

ClinVar aggregate classification (germline): Uncertain significance. Review status: criteria provided, multiple submitters, no conflicts (2 of 4 stars). 2 submissions from 2 submitters: Uncertain significance (2). Last evaluated 2024-04-11.

Conditions:
Hereditary cancer-predisposing syndrome. Also called: Neoplastic Syndromes, Hereditary; Hereditary neoplastic syndrome; Tumor predisposition; Hereditary Cancer Syndrome. Identifiers: Orphanet 140162, MedGen C0027672, MeSH D009386, MONDO:0015356.
Neuroblastoma, susceptibility to, 3. Also called: ALK-Related Neuroblastic Tumor Susceptibility. Identifiers: Orphanet 635, MedGen C2751681, MONDO:0013083, OMIM 613014.

Allele frequency attached by ClinVar (database versions not stated): gnomAD exomes below 0.00001.
gnomAD v4.1: 1 of 1,613,974 alleles (0.000062%); highest among the groups gnomAD compares: Non-Finnish European, 0.000085%; no homozygotes.

Submissions (2):

Ambry Genetics
Classification: Uncertain significance for Hereditary cancer-predisposing syndrome. Last evaluated: 2024-04-11. Review status: criteria provided, single submitter. Criteria: Ambry Variant Classification Scheme 2023. Collection method: clinical testing. Allele origin: germline.
Comment: The p.E1154A variant (also known as c.3461A>C), located in coding exon 22 of the ALK gene, results from an A to C substitution at nucleotide position 3461. The glutamic acid at codon 1154 is replaced by alanine, an amino acid with dissimilar properties. This amino acid position is highly conserved in available vertebrate species. In addition, the in silico prediction for this alteration is inconclusive. Since supporting evidence is limited at this time, the clinical significance of this alteration remains unclear.

Labcorp Genetics (formerly Invitae), Labcorp
Classification: Uncertain significance for Neuroblastoma, susceptibility to, 3. Last evaluated: 2023-04-07. Review status: criteria provided, single submitter. Criteria: Invitae Variant Classification Sherloc (09022015). Collection method: clinical testing. Allele origin: germline.
Comment: In summary, the available evidence is currently insufficient to determine the role of this variant in disease. Therefore, it has been classified as a Variant of Uncertain Significance. An algorithm developed to predict the effect of missense changes on protein structure and function (PolyPhen-2) suggests that this variant is likely to be disruptive. ClinVar contains an entry for this variant (Variation ID: 843593). This variant has not been reported in the literature in individuals affected with ALK-related conditions. This variant is not present in population databases (gnomAD no frequency). This sequence change replaces glutamic acid, which is acidic and polar, with alanine, which is neutral and non-polar, at codon 1154 of the ALK protein (p.Glu1154Ala).